The following is an entry in ClinVar:

NM_018230.3(NUP133):c.2885G>A (p.Arg962His)

Gene: NUP133 (nucleoporin 133; minus strand). Cytogenetic location: 1q42.13.
Variant type: single nucleotide variant.
Coding change: c.2885G>A on transcript NM_018230.3 (MANE Select); coding-DNA position 2885, G replaced by A.
Protein change: p.Arg962His; replaces arginine 962 with histidine.
Molecular consequence: missense variant.
Genome position (GRCh38, 1-based): chr1:229,458,256, C>T on the plus strand (G>A on the coding strand, the complement: NUP133 is on the minus strand). VCF-style: chr1-229458256-C-T. GRCh37 (hg19) VCF-style: chr1-229594003-C-T.
Other names: p.Arg962His; c.2885G>A (NM_018230.2); short protein forms R962H.
Identifiers: ClinVar variation 1626466 (VCV001626466.12), dbSNP rs41307728, ClinGen allele CA1443163.
Genomic context (GRCh38, chr1:229,458,256, plus strand): 5'-TCTGAAGCTAATGCAGCCAATTTACTCAAGCCAAGAAGGGTTTTCTTCTTTGCAAAGTAA[C>T]GAGTTTCCATATTTGCCAAACCCAGAAGTGTTGCATGAGCCTACAATAAAATATGCAAAC-3'
Protein context (NP_060700.2, residues 952-972): TLLGLANMET[Arg962His]YFAKKKTLLG

ClinVar aggregate classification (germline): Benign. Review status: criteria provided, multiple submitters, no conflicts (2 of 4 stars). 4 submissions from 4 submitters: Benign (3). 1 of the submissions does not count toward it. Last evaluated 2026-02-02.

Conditions:
NUP133-related disorder. Also called: NUP133-related condition.

Allele frequency attached by ClinVar (database versions not stated): ESP Exome Variant Server 0.00961; gnomAD 0.01651 and 0.01671; TOPMed 0.02343; 1000 Genomes Project 0.03155; 1000 Genomes Project 30x 0.03529.
gnomAD v4.1: 13,369 of 1,613,310 alleles (0.83%); highest among the groups gnomAD compares: Admixed American, 11%; 505 homozygotes.

Submissions (4):

Labcorp Genetics (formerly Invitae), Labcorp
Classification: Benign. Last evaluated: 2026-02-02. Review status: criteria provided, single submitter. Criteria: Invitae Variant Classification Sherloc (09022015). Collection method: clinical testing. Allele origin: germline.

Mayo Clinic Laboratories, Mayo Clinic
Classification: Benign. Last evaluated: 2022-03-09. Review status: criteria provided, single submitter. Criteria: ACMG Guidelines, 2015. Collection method: clinical testing. Allele origin: germline. Observed: 10 variant alleles.

Breakthrough Genomics
Classification: Benign. Review status: criteria provided, single submitter. Criteria: ACMG Guidelines, 2015. Collection method: not provided. Allele origin: germline. Inheritance: Autosomal recessive inheritance. Affected: yes.

PreventionGenetics, part of Exact Sciences
Classification: Benign for NUP133-related condition. Last evaluated: 2019-04-25. Review status: no assertion criteria provided. Collection method: clinical testing. Allele origin: germline. Not counted in ClinVar's aggregate classification.
Comment: This variant is classified as benign based on ACMG/AMP sequence variant interpretation guidelines (Richards et al. 2015 PMID: 25741868, with internal and published modifications).